The following is an entry in ClinVar:

NM_021922.3(FANCE):c.855+6T>G

Gene: FANCE (FA complementation group E; plus strand). Cytogenetic location: 6p21.31.
Variant type: single nucleotide variant.
Coding change: c.855+6T>G on transcript NM_021922.3 (MANE Select); 6 bases into the intron after coding-DNA position 855, T replaced by G.
Molecular consequence: intron variant.
Genome position (GRCh38, 1-based): chr6:35,456,359, T>G. VCF-style: chr6-35456359-T-G. GRCh37 (hg19) VCF-style: chr6-35424136-T-G.
Identifiers: ClinVar variation 1384401 (VCV001384401.3), dbSNP rs1185107943, ClinGen allele CA566702932.

ClinVar aggregate classification (germline): Uncertain significance (1 of 4 stars; one submission).

Conditions:
Fanconi anemia complementation group E (FANCE). Also called: FANCE-Related Fanconi Anemia. Identifiers: Orphanet 84, MedGen C3160739, MONDO:0010953, OMIM 600901.

Allele frequency attached by ClinVar (database versions not stated): gnomAD exomes below 0.00001; TOPMed 0.00001; gnomAD 0.00002.
gnomAD v4.1: 4 of 1,613,974 alleles (0.00025%); highest among the groups gnomAD compares: African/African-American, 0.004%; no homozygotes.

Submission:

Labcorp Genetics (formerly Invitae), Labcorp
Classification: Uncertain significance for Fanconi anemia complementation group E. Last evaluated: 2021-10-12. Review status: criteria provided, single submitter. Criteria: Invitae Variant Classification Sherloc (09022015). Collection method: clinical testing. Allele origin: germline.
Comment: This sequence change falls in intron 2 of the FANCE gene. It does not directly change the encoded amino acid sequence of the FANCE protein. It affects a nucleotide within the consensus splice site. This variant is not present in population databases (ExAC no frequency). This variant has not been reported in the literature in individuals affected with FANCE-related conditions. Variants that disrupt the consensus splice site are a relatively common cause of aberrant splicing (PMID: 17576681, 9536098). Algorithms developed to predict the effect of sequence changes on RNA splicing suggest that this variant is not likely to affect RNA splicing. In summary, the available evidence is currently insufficient to determine the role of this variant in disease. Therefore, it has been classified as a Variant of Uncertain Significance.

Literature cited by the submitters: PubMed 17576681; PubMed 9536098.